The following is an entry in ClinVar:

ClinVar aggregate classification (germline): Uncertain significance (1 of 4 stars; one submission).

Allele frequency attached by ClinVar (database versions not stated): gnomAD exomes below 0.00001.

Submission:

Ambry Genetics
Classification: Uncertain significance. Last evaluated: 2025-02-08. Review status: criteria provided, single submitter. Criteria: Ambry Variant Classification Scheme 2023. Collection method: clinical testing. Allele origin: germline.
Comment: The p.M1185V variant (also known as c.3553A>G), located in coding exon 4 of the MLH3 gene, results from an A to G substitution at nucleotide position 3553. The methionine at codon 1185 is replaced by valine, an amino acid with highly similar properties. This amino acid position is conserved. In addition, this alteration is predicted to be deleterious by in silico analysis. Since supporting evidence is limited at this time, the clinical significance of this alteration remains unclear.

NM_001040108.2(MLH3):c.3553A>G (p.Met1185Val)

Gene: MLH3 (mutL homolog 3; minus strand). Cytogenetic location: 14q24.3.
Variant type: single nucleotide variant.
Coding change: c.3553A>G on transcript NM_001040108.2 (MANE Select); coding-DNA position 3553, A replaced by G.
Protein change: p.Met1185Val; replaces methionine 1185 with valine.
Molecular consequence: missense variant.
Genome position (GRCh38, 1-based): chr14:75,039,928, T>C on the plus strand (A>G on the coding strand, the complement: MLH3 is on the minus strand). VCF-style: chr14-75039928-T-C. GRCh37 (hg19) VCF-style: chr14-75506631-T-C.
Other names: c.3553A>G, p.Met1185Val (NM_014381.3); short protein forms M1185V.
Identifiers: ClinVar variation 1732615 (VCV001732615.3), dbSNP rs1891719303, ClinGen allele CA390428389.